The following is an entry in ClinVar:

NM_006765.4(TUSC3):c.868G>A (p.Ala290Thr)

Gene: TUSC3 (tumor suppressor candidate 3; plus strand). Cytogenetic location: 8p22.
Variant type: single nucleotide variant.
Coding change: c.868G>A on transcript NM_006765.4 (MANE Select); coding-DNA position 868, G replaced by A.
Protein change: p.Ala290Thr; replaces alanine 290 with threonine.
Molecular consequence: missense variant.
Genome position (GRCh38, 1-based): chr8:15,743,543, G>A. VCF-style: chr8-15743543-G-A. GRCh37 (hg19) VCF-style: chr8-15601052-G-A.
Other names: c.868G>A, p.Ala290Thr (NM_001356429.2, NM_001413583.1, NM_001413673.1 and 10 more transcripts); c.700G>A, p.Ala234Thr (NM_001413669.1, NM_001413671.1, NM_001413672.1); c.808G>A, p.Ala270Thr (NM_001413670.1); c.436G>A, p.Ala146Thr (NM_001413677.1); c.481G>A, p.Ala161Thr (NM_001413678.1); c.862G>A, p.Ala288Thr (NM_001413690.1); short protein forms A288T, A290T, A146T, A234T, A270T, A161T.
Identifiers: ClinVar variation 2157268 (VCV002157268.4), dbSNP rs367660078, ClinGen allele CA4640635.
Genomic context (GRCh38, chr8:15,743,543, plus strand): 5'-AATTAATAGATTTTATTCACATCTATGTCTACGGCTTCCTTGACAACTACTGCAGATGCC[G>A]CTATCACCATGGGGATGGTTCTTCTAAATGAAGCAGCAACTTCGAAAGGCGATGTTGGAA-3'
Protein context (NP_006756.2, residues 280-300): ESHIILVLNA[Ala290Thr]ITMGMVLLNE

ClinVar aggregate classification (germline): Uncertain significance (1 of 4 stars; one submission).

Conditions:
Intellectual developmental disorder, autosomal recessive 7. Also called: Intellectual disability, autosomal recessive 7. Identifiers: Orphanet 88616, MedGen C1970197, MONDO:0012615, OMIM 611093.

gnomAD v4.1: 43 of 1,613,702 alleles (0.0027%); highest among the groups gnomAD compares: Non-Finnish European, 0.0029%; no homozygotes.

Submission:

Labcorp Genetics (formerly Invitae), Labcorp
Classification: Uncertain significance for Intellectual developmental disorder, autosomal recessive 7. Last evaluated: 2022-11-08. Review status: criteria provided, single submitter. Criteria: Invitae Variant Classification Sherloc (09022015). Collection method: clinical testing. Allele origin: germline.
Comment: This sequence change replaces alanine, which is neutral and non-polar, with threonine, which is neutral and polar, at codon 290 of the TUSC3 protein (p.Ala290Thr). This variant is present in population databases (rs367660078, gnomAD 0.02%). This variant has not been reported in the literature in individuals affected with TUSC3-related conditions. Algorithms developed to predict the effect of missense changes on protein structure and function (SIFT, PolyPhen-2, Align-GVGD) all suggest that this variant is likely to be tolerated. In summary, the available evidence is currently insufficient to determine the role of this variant in disease. Therefore, it has been classified as a Variant of Uncertain Significance.